The following is an entry in ClinVar:

ClinVar aggregate classification (germline): Uncertain significance (1 of 4 stars; one submission).

Conditions:
Autosomal dominant hypocalcemia 1 (HYPOC1). Also called: HYPOCALCEMIA, FAMILIAL. Identifiers: MedGen C3715128, MONDO:0011013, OMIM 601198.
Familial hypocalciuric hypercalcemia (FHH). Also called: Familial benign hypercalcemia. Identifiers: Orphanet 405, MedGen C1809471, MONDO:0018458.

Allele frequency attached by ClinVar (database versions not stated): gnomAD exomes below 0.00001.
gnomAD v4.1: 1 of 1,613,798 alleles (0.000062%); highest among the groups gnomAD compares: Non-Finnish European, 0.000085%; no homozygotes.

Submission:

Labcorp Genetics (formerly Invitae), Labcorp
Classification: Uncertain significance for Familial hypocalciuric hypercalcemia; Autosomal dominant hypocalcemia 1. Last evaluated: 2020-11-06. Review status: criteria provided, single submitter. Criteria: Invitae Variant Classification Sherloc (09022015). Collection method: clinical testing. Allele origin: germline.
Comment: This variant has not been reported in the literature in individuals with CASR-related conditions. In summary, the available evidence is currently insufficient to determine the role of this variant in disease. Therefore, it has been classified as a Variant of Uncertain Significance. Algorithms developed to predict the effect of missense changes on protein structure and function output the following: SIFT: "Tolerated"; PolyPhen-2: "Benign"; Align-GVGD: "Class C0". The leucine amino acid residue is found in multiple mammalian species, suggesting that this missense change does not adversely affect protein function. These predictions have not been confirmed by published functional studies and their clinical significance is uncertain. This variant is not present in population databases (ExAC no frequency). This sequence change replaces isoleucine with leucine at codon 635 of the CASR protein (p.Ile635Leu). The isoleucine residue is moderately conserved and there is a small physicochemical difference between isoleucine and leucine.

NM_000388.4(CASR):c.1903A>C (p.Ile635Leu)

Gene: CASR (calcium sensing receptor; plus strand). Cytogenetic location: 3q21.1.
Variant type: single nucleotide variant.
Coding change: c.1903A>C on transcript NM_000388.4 (MANE Select); coding-DNA position 1903, A replaced by C.
Protein change: p.Ile635Leu; replaces isoleucine 635 with leucine.
Molecular consequence: missense variant.
Genome position (GRCh38, 1-based): chr3:122,283,857, A>C. VCF-style: chr3-122283857-A-C. GRCh37 (hg19) VCF-style: chr3-122002704-A-C.
Other names: c.1933A>C, p.Ile645Leu (NM_001178065.2); short protein forms I635L, I645L.
Identifiers: ClinVar variation 1027133 (VCV001027133.9), dbSNP rs2074924739, ClinGen allele CA354157906.